The following is an entry in ClinVar:

NM_001378477.3(NYX):c.316C>G (p.Arg106Gly)

Gene: NYX (nyctalopin; plus strand). Cytogenetic location: Xp11.4.
Variant type: single nucleotide variant.
Coding change: c.316C>G on transcript NM_001378477.3 (MANE Select); coding-DNA position 316, C replaced by G.
Protein change: p.Arg106Gly; replaces arginine 106 with glycine.
Molecular consequence: missense variant.
Genome position (GRCh38, 1-based): chrX:41,473,784, C>G. VCF-style: chrX-41473784-C-G. GRCh37 (hg19) VCF-style: chrX-41333037-C-G.
Other names: c.316C>G, p.Arg106Gly (NM_022567.3); short protein forms R106G.
Identifiers: ClinVar variation 2049194 (VCV002049194.4), dbSNP rs1349893010, ClinGen allele CA412989839.

ClinVar aggregate classification (germline): Uncertain significance (1 of 4 stars; one submission).

Allele frequency attached by ClinVar (database versions not stated): gnomAD exomes below 0.00001; TOPMed 0.00001.
gnomAD v4.1: 1 of 1,140,267 alleles (0.000088%); highest among the groups gnomAD compares: African/African-American, 0.0019%; no homozygotes.

Submission:

Labcorp Genetics (formerly Invitae), Labcorp
Classification: Uncertain significance. Last evaluated: 2024-05-20. Review status: criteria provided, single submitter. Criteria: Invitae Variant Classification Sherloc (09022015). Collection method: clinical testing. Allele origin: germline.
Comment: This sequence change replaces arginine, which is basic and polar, with glycine, which is neutral and non-polar, at codon 111 of the NYX protein (p.Arg111Gly). This variant is not present in population databases (gnomAD no frequency). This variant has not been reported in the literature in individuals affected with NYX-related conditions. ClinVar contains an entry for this variant (Variation ID: 2049194). Advanced modeling of protein sequence and biophysical properties (such as structural, functional, and spatial information, amino acid conservation, physicochemical variation, residue mobility, and thermodynamic stability) performed at Invitae indicates that this missense variant is not expected to disrupt NYX protein function with a negative predictive value of 80%. In summary, the available evidence is currently insufficient to determine the role of this variant in disease. Therefore, it has been classified as a Variant of Uncertain Significance.